The following is an entry in ClinVar:

NM_199420.4(POLQ):c.3286C>T (p.Pro1096Ser)

Gene: POLQ (DNA polymerase theta; minus strand). Cytogenetic location: 3q13.33.
Variant type: single nucleotide variant.
Coding change: c.3286C>T on transcript NM_199420.4 (MANE Select); coding-DNA position 3286, C replaced by T.
Protein change: p.Pro1096Ser; replaces proline 1096 with serine.
Molecular consequence: missense variant.
Genome position (GRCh38, 1-based): chr3:121,489,645, G>A on the plus strand (C>T on the coding strand, the complement: POLQ is on the minus strand). VCF-style: chr3-121489645-G-A. GRCh37 (hg19) VCF-style: chr3-121208492-G-A.
Other names: short protein forms P1096S.
Identifiers: ClinVar variation 3422361 (VCV003422361.1).

ClinVar aggregate classification (germline): Uncertain significance (1 of 4 stars; one submission).

Submission:

Ambry Genetics
Classification: Uncertain significance. Last evaluated: 2024-10-13. Review status: criteria provided, single submitter. Criteria: Ambry Variant Classification Scheme 2023. Collection method: clinical testing. Allele origin: germline.
Comment: The p.P1096S variant (also known as c.3286C>T), located in coding exon 16 of the POLQ gene, results from a C to T substitution at nucleotide position 3286. The proline at codon 1096 is replaced by serine, an amino acid with similar properties. This amino acid position is conserved. In addition, this alteration is predicted to be tolerated by in silico analysis. Based on the available evidence, the clinical significance of this variant remains unclear.